The following is an entry in ClinVar:

ClinVar aggregate classification (germline): Uncertain significance. Review status: criteria provided, multiple submitters, no conflicts (2 of 4 stars). 2 submissions from 2 submitters: Uncertain significance (2). Last evaluated 2025-01-01.

Conditions:
Dyskeratosis congenita, autosomal recessive 5 (DKCB5). Identifiers: MedGen C3554656, MONDO:0014076, OMIM 615190.
Pulmonary fibrosis and/or bone marrow failure, Telomere-related, 3. Also called: PULMONARY FIBROSIS AND/OR BONE MARROW FAILURE SYNDROME, TELOMERE-RELATED, 3. Identifiers: Orphanet 2032, MedGen C4225346, MONDO:0014613, OMIM 616373.
Inborn genetic diseases. Identifiers: MedGen C0950123, MeSH D030342.

gnomAD v4.1: 5 of 1,612,664 alleles (0.00031%); highest among the groups gnomAD compares: Non-Finnish European, 0.00042%; no homozygotes.

Submissions (2):

Ambry Genetics
Classification: Uncertain significance for Inborn genetic diseases. Last evaluated: 2025-01-01. Review status: criteria provided, single submitter. Criteria: Ambry Variant Classification Scheme 2023. Collection method: clinical testing. Allele origin: germline.
Comment: The p.A440S variant (also known as c.1318G>T), located in coding exon 15 of the RTEL1 gene, results from a G to T substitution at nucleotide position 1318. The alanine at codon 440 is replaced by serine, an amino acid with similar properties. This amino acid position is conserved. In addition, this alteration is predicted to be tolerated by in silico analysis. Based on the available evidence, the clinical significance of this variant remains unclear.

Labcorp Genetics (formerly Invitae), Labcorp
Classification: Uncertain significance for Dyskeratosis congenita, autosomal recessive 5; Pulmonary fibrosis and/or bone marrow failure, Telomere-related, 3. Last evaluated: 2024-03-14. Review status: criteria provided, single submitter. Criteria: Invitae Variant Classification Sherloc (09022015). Collection method: clinical testing. Allele origin: germline.
Comment: This sequence change replaces alanine, which is neutral and non-polar, with serine, which is neutral and polar, at codon 440 of the RTEL1 protein (p.Ala440Ser). This variant is not present in population databases (gnomAD no frequency). This variant has not been reported in the literature in individuals affected with RTEL1-related conditions. ClinVar contains an entry for this variant (Variation ID: 1919833). Algorithms developed to predict the effect of missense changes on protein structure and function output the following: SIFT: "Not Available"; PolyPhen-2: "Benign"; Align-GVGD: "Not Available". The serine amino acid residue is found in multiple mammalian species, which suggests that this missense change does not adversely affect protein function. In summary, the available evidence is currently insufficient to determine the role of this variant in disease. Therefore, it has been classified as a Variant of Uncertain Significance.

NM_001283009.2(RTEL1):c.1318G>T (p.Ala440Ser)

Genes: RTEL1-TNFRSF6B (RTEL1-TNFRSF6B readthrough (NMD candidate); plus strand), RTEL1 (regulator of telomere elongation helicase 1; plus strand). Cytogenetic location: 20q13.33.
Variant type: single nucleotide variant.
Coding change: c.1318G>T on transcript NM_001283009.2 (MANE Select); coding-DNA position 1318, G replaced by T.
Protein change: p.Ala440Ser; replaces alanine 440 with serine.
Molecular consequence: missense variant. On other transcripts: non-coding transcript variant (1).
Genome position (GRCh38, 1-based): chr20:63,685,842, G>T. VCF-style: chr20-63685842-G-T. GRCh37 (hg19) VCF-style: chr20-62317195-G-T.
Other names: c.649G>T, p.Ala217Ser (NM_001283010.1); c.1318G>T, p.Ala440Ser (NM_016434.4); c.1390G>T, p.Ala464Ser (NM_032957.5); short protein forms A464S, A217S, A440S.
Identifiers: ClinVar variation 1919833 (VCV001919833.6), dbSNP rs2090580575, ClinGen allele CA409676064.